The following is an entry in ClinVar:

NM_021267.5(CERS1):c.37C>A (p.Pro13Thr)

Genes: CERS1 (ceramide synthase 1; minus strand), GDF1 (growth differentiation factor 1; minus strand). Cytogenetic location: 19p13.11.
Variant type: single nucleotide variant.
Coding change: c.37C>A on transcript NM_021267.5 (MANE Select); coding-DNA position 37, C replaced by A.
Protein change: p.Pro13Thr; replaces proline 13 with threonine.
Molecular consequence: missense variant. On other transcripts: 5 prime UTR variant (4), intron variant (3).
Genome position (GRCh38, 1-based): chr19:18,896,036, G>T on the plus strand (C>A on the coding strand, the complement: CERS1 is on the minus strand). VCF-style: chr19-18896036-G-T. GRCh37 (hg19) VCF-style: chr19-19006845-G-T.
Other names: c.37C>A, p.Pro13Thr (NM_001387439.1, NM_001387440.1, NM_001387441.1 and 1 more transcripts); c.-492C>A (NM_001387444.1); c.-439C>A (NM_001387445.1); c.-866C>A (NM_001387438.1); c.-1286C>A (NM_001492.6); c.-46+690C>A (NM_001387443.1); c.-46+525C>A (NM_001387442.1, NM_001290265.2); short protein forms P13T.
Identifiers: ClinVar variation 2151436 (VCV002151436.4), dbSNP rs868136098, ClinGen allele CA404868879.
Genomic context (GRCh38, chr19:18,896,036, plus strand): 5'-CCGCCAGCGCGCTGCCCCAGCCGCGCTGCACTAGCTGCGCGTAGCTCGGCATGGGCTCGG[G>T]CCCCGTCGGCCCCGCCGCGGGCCCCGCCGCCGCCATACCGCCCGCTCGCCCGCCGTGCCC-3'
Protein context (NP_067090.1, residues 3-23): AAGPAAGPTG[Pro13Thr]EPMPSYAQLV

ClinVar aggregate classification (germline): Uncertain significance (1 of 4 stars; one submission).

Conditions:
Progressive myoclonic epilepsy type 8. Identifiers: Orphanet 424027, MedGen C5190825, MONDO:0014545, OMIM 616230.

Allele frequency attached by ClinVar (database versions not stated): TOPMed below 0.00001.

Submission:

Labcorp Genetics (formerly Invitae), Labcorp
Classification: Uncertain significance for Progressive myoclonic epilepsy type 8. Last evaluated: 2025-07-14. Review status: criteria provided, single submitter. Criteria: Invitae Variant Classification Sherloc (09022015). Collection method: clinical testing. Allele origin: germline.
Comment: This sequence change replaces proline, which is neutral and non-polar, with threonine, which is neutral and polar, at codon 13 of the CERS1 protein (p.Pro13Thr). The frequency data for this variant in the population databases is considered unreliable, as metrics indicate insufficient coverage at this position in the gnomAD database. This variant has not been reported in the literature in individuals affected with CERS1-related conditions. ClinVar contains an entry for this variant (Variation ID: 2151436). Experimental studies and prediction algorithms are not available or were not evaluated, and the functional significance of this variant is currently unknown. In summary, the available evidence is currently insufficient to determine the role of this variant in disease. Therefore, it has been classified as a Variant of Uncertain Significance.